The following is an entry in ClinVar:

NM_001134831.2(AHI1):c.2495T>G (p.Leu832Ter)

Gene: AHI1 (Abelson helper integration site 1; minus strand). Cytogenetic location: 6q23.3.
Variant type: single nucleotide variant.
Coding change: c.2495T>G on transcript NM_001134831.2 (MANE Select); coding-DNA position 2495, T replaced by G.
Protein change: p.Leu832Ter; replaces leucine 832 with a stop codon.
Molecular consequence: nonsense.
Genome position (GRCh38, 1-based): chr6:135,428,757, A>C on the plus strand (T>G on the coding strand, the complement: AHI1 is on the minus strand). VCF-style: chr6-135428757-A-C. GRCh37 (hg19) VCF-style: chr6-135749895-A-C.
Other names: c.2495T>G (NM_017651.4); c.2495T>G, p.Leu832Ter (NM_001134830.2, NM_001134832.2, NM_001350503.2 and 2 more transcripts); short protein forms L832*.
Identifiers: ClinVar variation 217524 (VCV000217524.7), dbSNP rs863225131, ClinGen allele CA279357.

ClinVar aggregate classification (germline): Pathogenic/Likely pathogenic. Review status: criteria provided, multiple submitters, no conflicts (2 of 4 stars). 4 submissions from 4 submitters: Pathogenic (2); Likely pathogenic (2). Last evaluated 2025-03-11.

Conditions:
Joubert syndrome 3 (JBTS3). Also called: AHI1-related Ciliopathy. Identifiers: Orphanet 220493, MedGen C1837713, MONDO:0012078, OMIM 608629.
AHI1-related disorder. Also called: AHI1-related condition.
Joubert syndrome and related disorders. Identifiers: Orphanet 140874, MedGen C5679612, MONDO:0015369.

Allele frequency attached by ClinVar (database versions not stated): gnomAD exomes below 0.00001.
gnomAD v4.1: 3 of 1,598,890 alleles (0.00019%); highest among the groups gnomAD compares: Non-Finnish European, 0.00026%; no homozygotes.

Submissions (4):

Myriad Genetics, Inc.
Classification: Pathogenic for Joubert syndrome 3. Last evaluated: 2025-03-11. Review status: criteria provided, single submitter. Criteria: Myriad Autosomal Dominant, Autosomal Recessive and X-Linked Classification Criteria (2023). Collection method: clinical testing. Allele origin: unknown.
Comment: NM_001134831.1(AHI1):c.2495T>G(L832*) is expected to be pathogenic in the context of Joubert syndrome, AHI1-related. This variant is predicted to lead to an abnormal or absent protein product due to the creation of a premature termination codon in AHI1, a gene where loss-of-function variants are known to be pathogenic. Please note: this variant was assessed in the context of healthy population screening.

Women's Health and Genetics/Laboratory Corporation of America, LabCorp
Classification: Likely pathogenic for Joubert syndrome and related disorders. Last evaluated: 2023-01-06. Review status: criteria provided, single submitter. Criteria: LabCorp Variant Classification Summary - May 2015. Collection method: clinical testing. Allele origin: germline.
Comment: Variant summary: AHI1 c.2495T>G (p.Leu832X) results in a premature termination codon, predicted to cause a truncation of the encoded protein or absence of the protein due to nonsense mediated decay, which are commonly known mechanisms for disease. Truncations downstream of this position have been classified as pathogenic in ClinVar and are associated with Joubert syndrome in HGMD. The variant was absent in 231274 control chromosomes. c.2495T>G has been reported in the literature in at least one individual affected with Joubert Syndrome (e.g., Parisi_2006). To our knowledge, no experimental evidence demonstrating an impact on protein function has been reported. One ClinVar submitter (evaluation after 2014) has cited the variant and classified it as pathogenic. Based on the evidence outlined above, the variant was classified as likely pathogenic.

Blueprint Genetics
Classification: Likely pathogenic for AHI1-related disorders. Last evaluated: 2019-02-14. Review status: criteria provided, single submitter. Criteria: ACMG Guidelines, 2015. Collection method: clinical testing. Allele origin: germline. Affected: yes. Observed: 1 variant allele.

UW Hindbrain Malformation Research Program, University of Washington
Classification: Pathogenic for Joubert syndrome 3. Last evaluated: 2015-02-23. Review status: criteria provided, single submitter. Criteria: Bachmann-Gagescu et al. (J Med Genet. 2015). Collection method: research. Allele origin: unknown. Affected: yes.

Literature cited by the submitters: PubMed 16155189 (cited by Women's Health and Genetics/Laboratory Corporation of America, LabCorp).